The following is an entry in ClinVar:

NM_001365536.1(SCN9A):c.468-8G>T

Gene: SCN9A (sodium voltage-gated channel alpha subunit 9; minus strand). Cytogenetic location: 2q24.3.
Variant type: single nucleotide variant.
Coding change: c.468-8G>T on transcript NM_001365536.1 (MANE Select); 8 bases into the intron before coding-DNA position 468, G replaced by T.
Molecular consequence: intron variant.
Genome position (GRCh38, 1-based): chr2:166,305,928, C>A on the plus strand (G>T on the coding strand, the complement: SCN9A is on the minus strand). VCF-style: chr2-166305928-C-A. GRCh37 (hg19) VCF-style: chr2-167162438-C-A.
Other names: c.468-8G>T (NM_002977.4).
Identifiers: ClinVar variation 759679 (VCV000759679.11), dbSNP rs200399998, ClinGen allele CA1944775.

ClinVar aggregate classification (germline): Likely benign. Review status: criteria provided, multiple submitters, no conflicts (2 of 4 stars). 3 submissions from 3 submitters: Likely benign (3). Last evaluated 2026-03-18.

Conditions:
SCN9A-related disorder. Also called: SCN9A-related condition; SCN9A-related disorders.
Generalized epilepsy with febrile seizures plus, type 7 (GEFSP7). Also called: GEFS+, TYPE 7. Identifiers: Orphanet 36387, MedGen C2751778, MONDO:0013470, OMIM 613863.
Neuropathy, hereditary sensory and autonomic, type 2A (HSAN2A). Also called: HSAN IIA; MORVAN DISEASE; NEUROPATHY, CONGENITAL SENSORY; NEUROPATHY, HEREDITARY SENSORY RADICULAR, AUTOSOMAL RECESSIVE; NEUROPATHY, HEREDITARY SENSORY, TYPE IIA; NEUROPATHY, PROGRESSIVE SENSORY, OF CHILDREN. Identifiers: Orphanet 970, MedGen C2752089, MONDO:0024309, OMIM 201300.

Allele frequency attached by ClinVar (database versions not stated): gnomAD exomes 0.00001 and 0.00002; ExAC 0.00004; TOPMed 0.00010; gnomAD 0.00011.
gnomAD v4.1: 26 of 1,611,934 alleles (0.0016%); highest among the groups gnomAD compares: African/African-American, 0.031%; no homozygotes.

Submissions (3):

PreventionGenetics, part of Exact Sciences
Classification: Likely benign for SCN9A-related condition. Last evaluated: 2026-03-18. Review status: criteria provided, single submitter. Criteria: ACMG Guidelines, 2015. Collection method: clinical testing. Allele origin: germline.
Comment: This variant is classified as likely benign based on ACMG/AMP sequence variant interpretation guidelines (Richards et al. 2015 PMID: 25741868, with internal and published modifications).

Labcorp Genetics (formerly Invitae), Labcorp
Classification: Likely benign for Neuropathy, hereditary sensory and autonomic, type 2A; Generalized epilepsy with febrile seizures plus, type 7. Last evaluated: 2026-01-26. Review status: criteria provided, single submitter. Criteria: Invitae Variant Classification Sherloc (09022015). Collection method: clinical testing. Allele origin: germline.

Women's Health and Genetics/Laboratory Corporation of America, LabCorp
Classification: Likely benign. Last evaluated: 2025-11-19. Review status: criteria provided, single submitter. Criteria: LabCorp Variant Classification Summary - May 2015. Collection method: clinical testing. Allele origin: germline.